The following is an entry in ClinVar:

NM_201253.3(CRB1):c.2054G>C (p.Gly685Ala)

Gene: CRB1 (crumbs cell polarity complex component 1; plus strand). Cytogenetic location: 1q31.3.
Variant type: single nucleotide variant.
Coding change: c.2054G>C on transcript NM_201253.3 (MANE Select); coding-DNA position 2054, G replaced by C.
Protein change: p.Gly685Ala; replaces glycine 685 with alanine.
Molecular consequence: missense variant. On other transcripts: non-coding transcript variant (2).
Genome position (GRCh38, 1-based): chr1:197,421,882, G>C. VCF-style: chr1-197421882-G-C. GRCh37 (hg19) VCF-style: chr1-197391012-G-C.
Other names: c.1718G>C, p.Gly573Ala (NM_001193640.2); c.1847G>C, p.Gly616Ala (NM_001257965.2); c.2054G>C, p.Gly685Ala (NM_001257966.2); short protein forms G616A, G573A, G685A.
Identifiers: ClinVar variation 2191841 (VCV002191841.5), dbSNP rs748175297, ClinGen allele CA1312029.

ClinVar aggregate classification (germline): Likely pathogenic. Review status: criteria provided, multiple submitters, no conflicts (2 of 4 stars). 2 submissions from 2 submitters: Likely pathogenic (2). Last evaluated 2025-09-12.

Conditions:
Retinitis pigmentosa 12 (RP12). Also called: RP WITH OR WITHOUT PPRPE; RP WITH OR WITHOUT PRESERVED PARAARTERIOLE RETINAL PIGMENT EPITHELIUM; RETINITIS PIGMENTOSA WITH OR WITHOUT PARAARTERIOLAR PRESERVATION OF RETINAL PIGMENT EPITHELIUM. Identifiers: Orphanet 791, MedGen C1838647, MONDO:0010818, OMIM 600105.
Leber congenital amaurosis 8 (LCA8). Identifiers: Orphanet 65, MedGen C3151202, MONDO:0013453, OMIM 613835.
Retinal dystrophy. Also called: Inherited retinal dystrophy. Identifiers: Orphanet 71862, MedGen C0854723, MeSH D058499, MONDO:0019118, HP:0000556.

Allele frequency attached by ClinVar (database versions not stated): gnomAD exomes below 0.00001; ExAC 0.00001.
gnomAD v4.1: 2 of 1,614,220 alleles (0.00012%); highest among the groups gnomAD compares: Admixed American, 0.0033%; no homozygotes.

Submissions (2):

Women's Health and Genetics/Laboratory Corporation of America, LabCorp
Classification: Likely pathogenic for Retinal dystrophy. Last evaluated: 2025-09-12. Review status: criteria provided, single submitter. Criteria: LabCorp Variant Classification Summary - May 2015. Collection method: clinical testing. Allele origin: germline.
Comment: Variant summary: CRB1 c.2054G>C (p.Gly685Ala) results in a non-conservative amino acid change in the encoded protein sequence. Algorithms developed to predict the effect of missense changes on protein structure and function all suggest that this variant is likely to be disruptive. The variant allele was found at a frequency of 4e-06 in 250936 control chromosomes. c.2054G>C has been observed in a presumed compound heterozygous individual affected with Sporadic Retinitis Pigmentosa (example: Martin-Merida_2019). To our knowledge, no experimental evidence demonstrating an impact on protein function has been reported. Other variants affecting this codon has been determined to be pathogenic (c.2053G>A , p.Gly685Arg/c.2054G>T, p.Gly685Val), suggesting that this may be a clinically significant amino acid residue. The following publication has been ascertained in the context of this evaluation (PMID: 30902645). ClinVar contains an entry for this variant (Variation ID: 2191841). Based on the evidence outlined above, the variant was classified as likely pathogenic.

Labcorp Genetics (formerly Invitae), Labcorp
Classification: Likely pathogenic for Leber congenital amaurosis 8; Retinitis pigmentosa 12. Last evaluated: 2024-02-29. Review status: criteria provided, single submitter. Criteria: Invitae Variant Classification Sherloc (09022015). Collection method: clinical testing. Allele origin: germline.
Comment: This sequence change replaces glycine, which is neutral and non-polar, with alanine, which is neutral and non-polar, at codon 685 of the CRB1 protein (p.Gly685Ala). This variant is present in population databases (rs748175297, gnomAD 0.003%). This missense change has been observed in individual(s) with retinitis pigmentosa (PMID: 30902645). ClinVar contains an entry for this variant (Variation ID: 2191841). Advanced modeling of protein sequence and biophysical properties (such as structural, functional, and spatial information, amino acid conservation, physicochemical variation, residue mobility, and thermodynamic stability) performed at Invitae indicates that this missense variant is expected to disrupt CRB1 protein function with a positive predictive value of 80%. This variant disrupts the p.Gly685 amino acid residue in CRB1. Other variant(s) that disrupt this residue have been observed in individuals with CRB1-related conditions (PMID: 30902645; Invitae), which suggests that this may be a clinically significant amino acid residue. In summary, the currently available evidence indicates that the variant is pathogenic, but additional data are needed to prove that conclusively. Therefore, this variant has been classified as Likely Pathogenic.

Literature cited by the submitters: PubMed 30902645 (cited by Women's Health and Genetics/Laboratory Corporation of America, LabCorp and Labcorp Genetics (formerly Invitae), Labcorp).